The following is an entry in ClinVar:

NM_005045.4(RELN):c.6386G>A (p.Gly2129Asp)

Gene: RELN (reelin; minus strand). Cytogenetic location: 7q22.1.
Variant type: single nucleotide variant.
Coding change: c.6386G>A on transcript NM_005045.4 (MANE Select); coding-DNA position 6386, G replaced by A.
Protein change: p.Gly2129Asp; replaces glycine 2129 with aspartic acid.
Molecular consequence: missense variant.
Genome position (GRCh38, 1-based): chr7:103,545,261, C>T on the plus strand (G>A on the coding strand, the complement: RELN is on the minus strand). VCF-style: chr7-103545261-C-T. GRCh37 (hg19) VCF-style: chr7-103185708-C-T.
Other names: c.6386G>A, p.Gly2129Asp (NM_173054.3); short protein forms G2129D.
Identifiers: ClinVar variation 1714631 (VCV001714631.5), dbSNP rs2484798317, ClinGen allele CA368771131.

ClinVar aggregate classification (germline): Uncertain significance (1 of 4 stars; one submission).

Conditions:
Familial temporal lobe epilepsy 7. Identifiers: Orphanet 101046, MedGen C4225327, MONDO:0014639, OMIM 616436.
Norman-Roberts syndrome (LIS2). Also called: Lissencephaly 2 (Norman-Roberts type). Identifiers: Orphanet 89844, MedGen C0796089, MONDO:0009760, OMIM 257320.

Submission:

Labcorp Genetics (formerly Invitae), Labcorp
Classification: Uncertain significance for Familial temporal lobe epilepsy 7; Norman-Roberts syndrome. Last evaluated: 2022-07-31. Review status: criteria provided, single submitter. Criteria: Invitae Variant Classification Sherloc (09022015). Collection method: clinical testing. Allele origin: germline.
Comment: In summary, the available evidence is currently insufficient to determine the role of this variant in disease. Therefore, it has been classified as a Variant of Uncertain Significance. This sequence change replaces glycine, which is neutral and non-polar, with aspartic acid, which is acidic and polar, at codon 2129 of the RELN protein (p.Gly2129Asp). This variant is not present in population databases (gnomAD no frequency). This variant has not been reported in the literature in individuals affected with RELN-related conditions. Algorithms developed to predict the effect of missense changes on protein structure and function are either unavailable or do not agree on the potential impact of this missense change (SIFT: "Deleterious"; PolyPhen-2: "Possibly Damaging"; Align-GVGD: "Class C0").